The following is an entry in ClinVar:

ClinVar aggregate classification (germline): Likely pathogenic (1 of 4 stars; one submission).

Conditions:
Thrombophilia due to activated protein C resistance (THPH2). Also called: PCCF DEFICIENCY; Activated protein C resistance; PROC COFACTOR DEFICIENCY; THROMBOPHILIA DUE TO DEFICIENCY OF ACTIVATED PROTEIN C COFACTOR; THROMBOPHILIA V; Hereditary Resistance to Activated Protein C. Identifiers: MedGen C1861171, MONDO:0008560, OMIM 188055. Disease mechanism: loss of function, gain of function.

Submission:

Department of Paediatric Medicine, Post Graduation Institute of Medical Education and Research
Classification: Likely pathogenic for Thrombophilia due to activated protein C resistance. Last evaluated: 2023-03-01. Review status: criteria provided, single submitter. Criteria: ACMG Guidelines, 2015. Collection method: clinical testing. Allele origin: de novo. Inheritance: Autosomal dominant inheritance. Affected: yes. Observed: 1 variant allele, 1 heterozygote.
Comment: PVS1, PM2

NM_000130.5(F5):c.413dup (p.Met138fs)

Gene: F5 (coagulation factor V; minus strand). Cytogenetic location: 1q24.2.
Variant type: Duplication.
Coding change: c.413dup on transcript NM_000130.5 (MANE Select); coding-DNA position 413, one base duplicated (T; older notation c.413dupT).
Protein change: p.Met138fs; shifts the reading frame from methionine 138.
Molecular consequence: frameshift variant.
Genome position (GRCh38, 1-based): chr1:169,560,727, A duplicated on the plus strand (T on the coding strand, the reverse complement: F5 is on the minus strand). VCF-style (leftmost placement, unchanged base first): chr1-169560726-C-CA. GRCh37 (hg19) VCF-style: chr1-169529964-C-CA.
Other names: short protein forms M138fs.
Identifiers: ClinVar variation 2431036 (VCV002431036.1), dbSNP rs2526445474, ClinGen allele CA2580061360.